The following is an entry in ClinVar:

ClinVar aggregate classification (germline): Likely pathogenic. Review status: criteria provided, multiple submitters, no conflicts (2 of 4 stars). 2 submissions from 2 submitters: Likely pathogenic (2). Last evaluated 2024-07-30.

Conditions:
Retinitis pigmentosa (RP). Identifiers: Orphanet 791, MedGen C0035334, MeSH D012174, MONDO:0019200, OMIM 268000. Inheritance: Autosomal dominant, autosomal recessive and X linked inheritance.
Cone dystrophy 3 (COD3). Also called: RETINAL CONE DYSTROPHY. Identifiers: Orphanet 1872, MedGen C1865869, MONDO:0011193, OMIM 602093.

Submissions (2):

3billion
Classification: Likely pathogenic for Cone dystrophy 3. Last evaluated: 2024-07-30. Review status: criteria provided, single submitter. Criteria: ACMG Guidelines, 2015. Collection method: clinical testing. Allele origin: germline. Affected: yes.
Comment: The variant is not observed in the gnomAD v4.0.0 dataset. Missense changes are a common disease-causing mechanism. In silico tool predictions suggest damaging effect of the variant on gene or gene product [REVEL: 0.88 (>=0.6); 3Cnet: 0.74 (>=0.6)]. The same nucleotide change resulting in the same amino acid change has been previously reported to be associated with GUCA1A related disorder (ClinVar ID: VCV001213842). A different missense change at the same codon (p.Asp144Gly) has been reported to be associated with GUCA1A-related disorder (ClinVar ID: VCV000974934 / PMID: 32025184). Therefore, this variant is classified as likely pathogenic according to the recommendation of ACMG/AMP guideline.

DBGen Ocular Genomics
Classification: Likely pathogenic for Retinitis pigmentosa. Last evaluated: 2021-06-16. Review status: criteria provided, single submitter. Criteria: ACMG Guidelines, 2015. Collection method: clinical testing. Allele origin: germline. Affected: yes. Observed: 1 variant allele.

NM_001384910.1(GUCA1A):c.431A>T (p.Asp144Val)

Genes: GUCA1A (guanylate cyclase activator 1A; plus strand), GUCA1ANB-GUCA1A (GUCA1ANB-GUCA1A readthrough; plus strand). Cytogenetic location: 6p21.1.
Variant type: single nucleotide variant.
Coding change: c.431A>T on transcript NM_001384910.1 (MANE Select); coding-DNA position 431, A replaced by T.
Protein change: p.Asp144Val; replaces aspartic acid 144 with valine.
Molecular consequence: missense variant.
Genome position (GRCh38, 1-based): chr6:42,178,881, A>T. VCF-style: chr6-42178881-A-T. GRCh37 (hg19) VCF-style: chr6-42146619-A-T.
Other names: c.431A>T, p.Asp144Val (NM_000409.5, NM_001319061.2, NM_001319062.2); short protein forms D144V.
Identifiers: ClinVar variation 1213842 (VCV001213842.4), dbSNP rs1768035083, ClinGen allele CA364109999.
Genomic context (GRCh38, chr6:42,178,881, plus strand): 5'-CCTGCAGCGATACCACCATGACTGCAGAGGAGTTCACCGATACAGTGTTCTCCAAGATTG[A>T]CGTCAACGGGGATGGTGAGGGGGCCGAGGAGGGGCTCCCCAGCGGAGGGGTCACCATGGA-3'
Protein context (NP_001371839.1, residues 134-154): EFTDTVFSKI[Asp144Val]VNGDGELSLE